The following is an entry in ClinVar:

NM_032119.4(ADGRV1):c.1969A>C (p.Asn657His)

Gene: ADGRV1 (adhesion G protein-coupled receptor V1; plus strand). Cytogenetic location: 5q14.3.
Variant type: single nucleotide variant.
Coding change: c.1969A>C on transcript NM_032119.4 (MANE Select); coding-DNA position 1969, A replaced by C.
Protein change: p.Asn657His; replaces asparagine 657 with histidine.
Molecular consequence: missense variant. On other transcripts: non-coding transcript variant (1).
Genome position (GRCh38, 1-based): chr5:90,635,243, A>C. VCF-style: chr5-90635243-A-C. GRCh37 (hg19) VCF-style: chr5-89931060-A-C.
Other names: short protein forms N657H.
Identifiers: ClinVar variation 1905671 (VCV001905671.7), dbSNP rs747176117, ClinGen allele CA3338790.

ClinVar aggregate classification (germline): Conflicting classifications of pathogenicity. Review status: criteria provided, conflicting classifications (1 of 4 stars). 2 submissions from 2 submitters: Uncertain significance (1); Likely benign (1). Last evaluated 2026-01-19.

Conditions:
Usher syndrome type 2C. Also called: Usher syndrome, type 2B; USHER SYNDROME, TYPE IIC. Identifiers: Orphanet 231178, Orphanet 886, MedGen C2931213, MONDO:0011558, OMIM 605472.
Febrile seizures, familial, 4 (FEB4). Also called: CONVULSIONS, FAMILIAL FEBRILE, 4. Identifiers: MedGen C1858493, MONDO:0011443, OMIM 604352.

Allele frequency attached by ClinVar (database versions not stated): ExAC 0.00001; gnomAD exomes 0.00001; gnomAD 0.00002; TOPMed 0.00003.
gnomAD v4.1: 11 of 1,612,618 alleles (0.00068%); highest among the groups gnomAD compares: East Asian, 0.025%; no homozygotes.

Submissions (2):

Labcorp Genetics (formerly Invitae), Labcorp
Classification: Likely benign. Last evaluated: 2026-01-19. Review status: criteria provided, single submitter. Criteria: Invitae Variant Classification Sherloc (09022015). Collection method: clinical testing. Allele origin: germline.

Juno Genomics, Hangzhou Juno Genomics, Inc
Classification: Uncertain significance for Febrile seizures, familial, 4; Usher syndrome type 2C. Review status: criteria provided, single submitter. Criteria: ACMG Guidelines, 2015. Collection method: clinical testing. Allele origin: germline. Affected: yes.
Comment: Absent from controls (or at extremely low frequency if recessive) in Genome Aggregation Database, Exome Sequencing Project, 1000 Genomes Project, or Exome Aggregation Consortium.